The following is an entry in ClinVar:

ClinVar aggregate classification (germline): Uncertain significance (1 of 4 stars; one submission).

Submission:

Labcorp Genetics (formerly Invitae), Labcorp
Classification: Uncertain significance. Last evaluated: 2022-08-22. Review status: criteria provided, single submitter. Criteria: Invitae Variant Classification Sherloc (09022015). Collection method: clinical testing. Allele origin: germline.
Comment: In summary, the available evidence is currently insufficient to determine the role of this variant in disease. Therefore, it has been classified as a Variant of Uncertain Significance. Algorithms developed to predict the effect of missense changes on protein structure and function are either unavailable or do not agree on the potential impact of this missense change (SIFT: "Tolerated"; PolyPhen-2: "Possibly Damaging"; Align-GVGD: "Class C0"). This variant has not been reported in the literature in individuals affected with ZNF469-related conditions. This variant is not present in population databases (gnomAD no frequency). This sequence change replaces proline, which is neutral and non-polar, with alanine, which is neutral and non-polar, at codon 3712 of the ZNF469 protein (p.Pro3712Ala).

NM_001367624.2(ZNF469):c.11218C>G (p.Pro3740Ala)

Gene: ZNF469 (zinc finger protein 469; plus strand). Cytogenetic location: 16q24.2.
Variant type: single nucleotide variant.
Coding change: c.11218C>G on transcript NM_001367624.2 (MANE Select); coding-DNA position 11218, C replaced by G.
Protein change: p.Pro3740Ala; replaces proline 3740 with alanine.
Molecular consequence: missense variant.
Genome position (GRCh38, 1-based): chr16:88,438,688, C>G. VCF-style: chr16-88438688-C-G. GRCh37 (hg19) VCF-style: chr16-88505096-C-G.
Other names: short protein forms P3740A.
Identifiers: ClinVar variation 1923380 (VCV001923380.5), dbSNP rs2142317242, ClinGen allele CA397129409.